The following is an entry in ClinVar:

NM_001384474.1(LOXHD1):c.4523G>A (p.Arg1508Lys)

Gene: LOXHD1 (lipoxygenase homology PLAT domains 1; minus strand). Cytogenetic location: 18q21.1.
Variant type: single nucleotide variant.
Coding change: c.4523G>A on transcript NM_001384474.1 (MANE Select); coding-DNA position 4523, G replaced by A.
Protein change: p.Arg1508Lys; replaces arginine 1508 with lysine.
Molecular consequence: missense variant.
Genome position (GRCh38, 1-based): chr18:46,529,184, C>T on the plus strand (G>A on the coding strand, the complement: LOXHD1 is on the minus strand). VCF-style: chr18-46529184-C-T. GRCh37 (hg19) VCF-style: chr18-44109147-C-T.
Other names: c.1190G>A, p.Arg397Lys (NM_001145472.3); c.902G>A, p.Arg301Lys (NM_001308013.2); c.4523G>A, p.Arg1508Lys (NM_144612.7); short protein forms R1508K, R397K, R301K.
Identifiers: ClinVar variation 326840 (VCV000326840.15), dbSNP rs199518750, ClinGen allele CA8952340.

ClinVar aggregate classification (germline): Conflicting classifications of pathogenicity. Review status: criteria provided, conflicting classifications (1 of 4 stars). 8 submissions from 8 submitters: Uncertain significance (3); Likely benign (4). 1 of the submissions does not count toward it. Last evaluated 2026-09-01.

Conditions:
Inborn genetic diseases. Identifiers: MedGen C0950123, MeSH D030342.
Autosomal recessive nonsyndromic hearing loss 77. Identifiers: Orphanet 90636, MedGen C2746083, MONDO:0013119, OMIM 613079.
LOXHD1-related disorder. Also called: LOXHD1-related condition.

Allele frequency attached by ClinVar (database versions not stated): 1000 Genomes Project 30x 0.00031; ExAC 0.00040; gnomAD exomes 0.00042; gnomAD 0.00046; TOPMed 0.00047; ESP Exome Variant Server 0.00088.
gnomAD v4.1: 465 of 1,551,572 alleles (0.03%); highest among the groups gnomAD compares: Admixed American, 0.11%; 2 homozygotes.

Submissions (8):

CeGaT Center for Human Genetics Tuebingen
Classification: Likely benign. Last evaluated: 2026-09-01. Review status: criteria provided, single submitter. Criteria: CeGaT Center For Human Genetics Tuebingen Variant Classification Criteria Version 2. Collection method: clinical testing. Allele origin: germline. Affected: yes. Observed: 1 variant allele.
Comment: LOXHD1: BP4, BS2

PreventionGenetics, part of Exact Sciences
Classification: Uncertain significance for LOXHD1-related condition. Last evaluated: 2026-05-27. Review status: criteria provided, single submitter. Criteria: ACMG Guidelines, 2015. Collection method: clinical testing. Allele origin: germline.
Comment: The LOXHD1 c.4523G>A variant is predicted to result in the amino acid substitution p.Arg1508Lys. This variant was reported along with a second potentially causative LOXHD1 variant in an individual with hearing loss (Imizcoz et al. 2023. PubMed ID: 37811145). However, this variant is reported in 0.086% of alleles in individuals of Latino descent in gnomAD, which may be too frequent to be a primary cause of disease. Although we suspect that this variant may be benign, at this time, the clinical significance of this variant is uncertain due to the absence of conclusive functional and genetic evidence.

Blueprint Genetics
Classification: Likely benign. Last evaluated: 2024-10-21. Review status: criteria provided, single submitter. Criteria: ACMG Guidelines, 2015. Collection method: clinical testing. Allele origin: germline.

Labcorp Genetics (formerly Invitae), Labcorp
Classification: Uncertain significance. Last evaluated: 2022-09-19. Review status: criteria provided, single submitter. Criteria: Invitae Variant Classification Sherloc (09022015). Collection method: clinical testing. Allele origin: germline.
Comment: This sequence change replaces arginine, which is basic and polar, with lysine, which is basic and polar, at codon 1508 of the LOXHD1 protein (p.Arg1508Lys). This variant is present in population databases (rs199518750, gnomAD 0.08%). This variant has not been reported in the literature in individuals affected with LOXHD1-related conditions. ClinVar contains an entry for this variant (Variation ID: 326840). Algorithms developed to predict the effect of missense changes on protein structure and function output the following: SIFT: "Tolerated"; PolyPhen-2: "Possibly Damaging"; Align-GVGD: "Class C0". The lysine amino acid residue is found in multiple mammalian species, which suggests that this missense change does not adversely affect protein function. In summary, the available evidence is currently insufficient to determine the role of this variant in disease. Therefore, it has been classified as a Variant of Uncertain Significance.

Ambry Genetics
Classification: Likely benign for Inborn genetic diseases. Last evaluated: 2021-09-27. Review status: criteria provided, single submitter. Criteria: Ambry Variant Classification Scheme 2023. Collection method: clinical testing. Allele origin: germline.

Illumina Laboratory Services, Illumina
Classification: Uncertain significance for Autosomal recessive nonsyndromic hearing loss 77. Last evaluated: 2018-01-13. Review status: criteria provided, single submitter. Criteria: ICSL Variant Classification Criteria 13 December 2019. Collection method: clinical testing. Allele origin: germline.

Laboratory for Molecular Medicine, Mass General Brigham Personalized Medicine
Classification: Likely benign. Last evaluated: 2016-10-13. Review status: criteria provided, single submitter. Criteria: LMM Criteria. Collection method: clinical testing. Allele origin: germline. Observed: 3 variant alleles.
Comment: p.Arg1508Lys in exon 29 of LOXHD1: This variant is not expected to have clinical significance due to a lack of conservation across species, including mammals. O f note, >10 mammals have a lysine (Lys) at this position despite high nearby ami no acid conservation. In addition, computational prediction tools do not suggest a high likelihood of impact to the protein. This variant has also been identifi ed in 5/8736 European chromosomes by the Exome Aggregation Consortium (ExAC; dbSNP rs199518750).

Natera, Inc.
Classification: Uncertain significance for Autosomal recessive deafness type 77. Last evaluated: 2020-01-08. Review status: no assertion criteria provided. Collection method: clinical testing. Allele origin: germline. Not counted in ClinVar's aggregate classification.